The following is an entry in ClinVar:

NM_031935.3(HMCN1):c.850G>A (p.Ala284Thr)

Gene: HMCN1 (hemicentin 1; plus strand). Cytogenetic location: 1q31.1.
Variant type: single nucleotide variant.
Coding change: c.850G>A on transcript NM_031935.3 (MANE Select); coding-DNA position 850, G replaced by A.
Protein change: p.Ala284Thr; replaces alanine 284 with threonine.
Molecular consequence: missense variant.
Genome position (GRCh38, 1-based): chr1:185,911,730, G>A. VCF-style: chr1-185911730-G-A. GRCh37 (hg19) VCF-style: chr1-185880862-G-A.
Other names: short protein forms A284T.
Identifiers: ClinVar variation 1923438 (VCV001923438.5), dbSNP rs758009370, ClinGen allele CA1290965.

ClinVar aggregate classification (germline): Uncertain significance (1 of 4 stars; one submission).

Allele frequency attached by ClinVar (database versions not stated): ExAC 0.00001.
gnomAD v4.1: 6 of 1,613,610 alleles (0.00037%); highest among the groups gnomAD compares: Admixed American, 0.01%; no homozygotes.

Submission:

Labcorp Genetics (formerly Invitae), Labcorp
Classification: Uncertain significance. Last evaluated: 2025-12-17. Review status: criteria provided, single submitter. Criteria: Invitae Variant Classification Sherloc (09022015). Collection method: clinical testing. Allele origin: germline.
Comment: This sequence change replaces alanine, which is neutral and non-polar, with threonine, which is neutral and polar, at codon 284 of the HMCN1 protein (p.Ala284Thr). This variant is present in population databases (rs758009370, gnomAD 0.009%). This variant has not been reported in the literature in individuals affected with HMCN1-related conditions. ClinVar contains an entry for this variant (Variation ID: 1923438). An algorithm developed to predict the effect of missense changes on protein structure and function (PolyPhen-2) suggests that this variant is likely to be disruptive. In summary, the available evidence is currently insufficient to determine the role of this variant in disease. Therefore, it has been classified as a Variant of Uncertain Significance.